The following is an entry in ClinVar:

NM_007294.4(BRCA1):c.-7G>A

Gene: BRCA1 (BRCA1 DNA repair associated; minus strand). Cytogenetic location: 17q21.31.
Variant type: single nucleotide variant.
Coding change: c.-7G>A on transcript NM_007294.4 (MANE Select); 7 bases upstream of the start codon, G replaced by A.
Molecular consequence: 5 prime UTR variant. On other transcripts: non-coding transcript variant (1).
Genome position (GRCh38, 1-based): chr17:43,124,103, C>T on the plus strand (G>A on the coding strand, the complement: BRCA1 is on the minus strand). VCF-style: chr17-43124103-C-T. GRCh37 (hg19) VCF-style: chr17-41276120-C-T.
Other names: c.-195G>A (NM_001407571.1, NM_001407853.1, NM_001407879.1 and 42 more transcripts); c.-7G>A (NM_001407581.1, NM_001407582.1, NM_001407583.1 and 169 more transcripts); c.-264G>A (NM_001407694.1, NM_001407724.1, NM_001407727.1 and 11 more transcripts); c.-268G>A (NM_001407695.1, NM_001408465.1); c.-409G>A (NM_001407696.1); c.-293G>A (NM_001407697.1, NM_001407846.1, NM_001407920.1); c.-94G>A (NM_001407698.1, NM_001407732.1, NM_001407736.1 and 21 more transcripts); c.-267G>A (NM_001407725.1, NM_001407730.1, NM_001407734.1 and 22 more transcripts); and 8 more.
Identifiers: ClinVar variation 868665 (VCV000868665.15), dbSNP rs1567823538, ClinGen allele CA916081147.
Genomic context (GRCh38, chr17:43,124,103, plus strand): 5'-CATAGCATTAATGACATTTTGTACTTCTTCAACGCGAAGAGCAGATAAATCCATTTCTTT[C>T]TGTTCCAATGAACTTTAACACATTAGAAAAACATATATATATATCTTTTTAAAAGGTTTA-3'

ClinVar aggregate classification (germline): Likely benign (1 of 4 stars; one submission).

Conditions:
Hereditary breast ovarian cancer syndrome. Also called: Hereditary breast and ovarian cancer; Hereditary breast and ovarian cancer syndrome (HBOC); Breast and ovarian cancer; Hereditary breast and/or ovarian cancer syndrome; BRCA1- and BRCA2-Associated Hereditary Breast and Ovarian Cancer; Hereditary breast and ovarian cancer syndrome. Identifiers: Orphanet 145, MedGen C0677776, MeSH D061325, MONDO:0003582. Disease mechanism: loss of function.

Allele frequency attached by ClinVar (database versions not stated): gnomAD exomes below 0.00001.
gnomAD v4.1: 1 of 1,609,026 alleles (0.000062%); highest among the groups gnomAD compares: Non-Finnish European, 0.000085%; no homozygotes.

Submissions (2):

Labcorp Genetics (formerly Invitae), Labcorp
Classification: Likely benign for Hereditary breast ovarian cancer syndrome. Last evaluated: 2021-12-14. Review status: criteria provided, single submitter. Criteria: Invitae Variant Classification Sherloc (09022015). Collection method: clinical testing. Allele origin: germline.

Brotman Baty Institute, University of Washington
No classification provided (evidence only). Condition: Breast-ovarian cancer, familial 1. Review status: no classification provided. Collection method: in vitro. Allele origin: not applicable. Functional consequence: functionally_normal. Not counted in ClinVar's aggregate classification.
ClinVar note: "not provided" was previously submitted as the classification for the variant. However, the classification appeared to be based only on an observation of functional data so it was converted to no classification on 2025-07-30.